The following is an entry in ClinVar:

ClinVar aggregate classification (germline): Pathogenic (1 of 4 stars; one submission).

Submission:

GeneDx
Classification: Pathogenic. Last evaluated: 2017-07-31. Review status: criteria provided, single submitter. Criteria: GeneDx Variant Classification (06012015). Collection method: clinical testing. Allele origin: germline. Affected: yes.
Comment: The Q1004X variant in the FLG gene has not been reported previously as a pathogenic variant nor as a benign variant, to our knowledge. This variant is predicted to cause loss of normal protein function through protein truncation. The Q1004X variant is not observed in large population cohorts (Lek et al., 2016; 1000 Genomes Consortium et al., 2015; Exome Variant Server). We interpret Q1004X as a pathogenic variant

NM_002016.2(FLG):c.3010C>T (p.Gln1004Ter)

Genes: FLG (filaggrin; minus strand), FLG-AS1 (FLG antisense RNA 1; plus strand). Cytogenetic location: 1q21.3.
Variant type: single nucleotide variant.
Coding change: c.3010C>T on transcript NM_002016.2 (MANE Select); coding-DNA position 3010, C replaced by T.
Protein change: p.Gln1004Ter; replaces glutamine 1004 with a stop codon.
Molecular consequence: nonsense.
Genome position (GRCh38, 1-based): chr1:152,311,876, G>A on the plus strand (C>T on the coding strand, the complement: FLG is on the minus strand). VCF-style: chr1-152311876-G-A. GRCh37 (hg19) VCF-style: chr1-152284352-G-A.
Other names: short protein forms Q1004*.
Identifiers: ClinVar variation 489034 (VCV000489034.2), dbSNP rs1486805206, ClinGen allele CA342086204.